The following is an entry in ClinVar:

ClinVar aggregate classification (germline): Uncertain significance (1 of 4 stars; one submission).

Conditions:
Pontocerebellar hypoplasia type 2E. Identifiers: Orphanet 247198, MedGen C4014488, MONDO:0014370, OMIM 615851.

Submission:

Juno Genomics, Hangzhou Juno Genomics, Inc
Classification: Uncertain significance for Pontocerebellar hypoplasia type 2E. Review status: criteria provided, single submitter. Criteria: ACMG Guidelines, 2015. Collection method: clinical testing. Allele origin: germline.
Comment: Absent from controls (or at extremely low frequency if recessive) in Genome Aggregation Database.;Multiple lines of computational evidence support a deleterious effect on the gene or gene product.

NM_001128159.3(VPS53):c.427A>C (p.Thr143Pro)

Gene: VPS53 (VPS53 subunit of GARP complex; minus strand). Cytogenetic location: 17p13.3.
Variant type: single nucleotide variant.
Coding change: c.427A>C on transcript NM_001128159.3 (MANE Select); coding-DNA position 427, A replaced by C.
Protein change: p.Thr143Pro; replaces threonine 143 with proline.
Molecular consequence: missense variant. On other transcripts: 5 prime UTR variant (1).
Genome position (GRCh38, 1-based): chr17:655,899, T>G on the plus strand (A>C on the coding strand, the complement: VPS53 is on the minus strand). VCF-style: chr17-655899-T-G. GRCh37 (hg19) VCF-style: chr17-559139-T-G.
Other names: c.427A>C, p.Thr143Pro (NM_001366253.2); c.-266A>C (NM_001366254.2); c.340A>C, p.Thr114Pro (NM_018289.4); short protein forms T143P, T114P.
Identifiers: ClinVar variation 5005795 (VCV005005795.2).
Genomic context (GRCh38, chr17:655,899, plus strand): 5'-CGAGGGAGTCGACACCTCCTGCCAGCATGTGCAGGTGGTTCAGTGTGGTGATTGAGGTGG[T>G]CAGGTGGCGTTTGGCGTGATCTAATTGCTTAATATCACGGGTGATTTCTTTCACCTAAAC-3'
Protein context (NP_001121631.1, residues 133-153): KQLDHAKRHL[Thr143Pro]TSITTLNHLH